The following is an entry in ClinVar:

NM_003331.5(TYK2):c.3236A>G (p.Tyr1079Cys)

Gene: TYK2 (tyrosine kinase 2; minus strand). Cytogenetic location: 19p13.2.
Variant type: single nucleotide variant.
Coding change: c.3236A>G on transcript NM_003331.5 (MANE Select); coding-DNA position 3236, A replaced by G.
Protein change: p.Tyr1079Cys; replaces tyrosine 1079 with cysteine.
Molecular consequence: missense variant.
Genome position (GRCh38, 1-based): chr19:10,352,516, T>C on the plus strand (A>G on the coding strand, the complement: TYK2 is on the minus strand). VCF-style: chr19-10352516-T-C. GRCh37 (hg19) VCF-style: chr19-10463192-T-C.
Other names: short protein forms Y1079C.
Identifiers: ClinVar variation 890159 (VCV000890159.10), dbSNP rs2040862596, ClinGen allele CA403983274.

ClinVar aggregate classification (germline): Uncertain significance. Review status: criteria provided, multiple submitters, no conflicts (2 of 4 stars). 2 submissions from 2 submitters: Uncertain significance (2). Last evaluated 2021-03-16.

Conditions:
Immunodeficiency 35 (IMD35). Also called: HIES WITH ATYPICAL MYCOBACTERIOSIS, AUTOSOMAL RECESSIVE; HYPER-IgE SYNDROME WITH ATYPICAL MYCOBACTERIOSIS, AUTOSOMAL RECESSIVE; TYK2 DEFICIENCY; Susceptibility to infection due to TYK2 deficiency. Identifiers: Orphanet 331226, MedGen C1969086, MONDO:0012682, OMIM 611521.

Allele frequency attached by ClinVar (database versions not stated): gnomAD exomes below 0.00001.
gnomAD v4.1: 1 of 1,592,428 alleles (0.000063%); highest among the groups gnomAD compares: Non-Finnish European, 0.000086%; no homozygotes.

Submissions (2):

Labcorp Genetics (formerly Invitae), Labcorp
Classification: Uncertain significance for Immunodeficiency 35. Last evaluated: 2021-03-16. Review status: criteria provided, single submitter. Criteria: Invitae Variant Classification Sherloc (09022015). Collection method: clinical testing. Allele origin: germline.
Comment: This sequence change replaces tyrosine with cysteine at codon 1079 of the TYK2 protein (p.Tyr1079Cys). The tyrosine residue is highly conserved and there is a large physicochemical difference between tyrosine and cysteine. In summary, the available evidence is currently insufficient to determine the role of this variant in disease. Therefore, it has been classified as a Variant of Uncertain Significance. Algorithms developed to predict the effect of missense changes on protein structure and function are either unavailable or do not agree on the potential impact of this missense change (SIFT: "Not Available"; PolyPhen-2: "Probably Damaging"; Align-GVGD: "Not Available"). This variant has not been reported in the literature in individuals with TYK2-related conditions. ClinVar contains an entry for this variant (Variation ID: 890159). This variant is not present in population databases (ExAC no frequency).

Illumina Laboratory Services, Illumina
Classification: Uncertain significance for Immunodeficiency 35. Last evaluated: 2018-01-12. Review status: criteria provided, single submitter. Criteria: ICSL Variant Classification Criteria 13 December 2019. Collection method: clinical testing. Allele origin: germline.